The following is an entry in ClinVar:

NM_001961.4(EEF2):c.1141G>T (p.Ala381Ser)

Gene: EEF2 (eukaryotic translation elongation factor 2; minus strand). Cytogenetic location: 19p13.3.
Variant type: single nucleotide variant.
Coding change: c.1141G>T on transcript NM_001961.4 (MANE Select); coding-DNA position 1141, G replaced by T.
Protein change: p.Ala381Ser; replaces alanine 381 with serine.
Molecular consequence: missense variant.
Genome position (GRCh38, 1-based): chr19:3,980,850, C>A on the plus strand (G>T on the coding strand, the complement: EEF2 is on the minus strand). VCF-style: chr19-3980850-C-A. GRCh37 (hg19) VCF-style: chr19-3980848-C-A.
Other names: short protein forms A381S.
Identifiers: ClinVar variation 4845503 (VCV004845503.1).

ClinVar aggregate classification (germline): Uncertain significance (1 of 4 stars; one submission).

gnomAD v4.1: 1 of 1,566,514 alleles (0.000064%); highest among the groups gnomAD compares: Non-Finnish European, 0.000086%; no homozygotes.

Submission:

Greenwood Genetic Center Diagnostic Laboratories, Greenwood Genetic Center
Classification: Uncertain significance. Last evaluated: 2025-12-02. Review status: criteria provided, single submitter. Criteria: ACMG Guidelines, 2015. Collection method: clinical testing. Allele origin: germline. Affected: yes.
Comment: Gene of Uncertain Significance